The following is an entry in ClinVar:

NM_181872.6(DMRT2):c.106G>A (p.Gly36Arg)

Gene: DMRT2 (doublesex and mab-3 related transcription factor 2; plus strand). Cytogenetic location: 9p24.3.
Variant type: single nucleotide variant.
Coding change: c.106G>A on transcript NM_181872.6 (MANE Select); coding-DNA position 106, G replaced by A.
Protein change: p.Gly36Arg; replaces glycine 36 with arginine.
Molecular consequence: missense variant. On other transcripts: 5 prime UTR variant (1), non-coding transcript variant (1).
Genome position (GRCh38, 1-based): chr9:1,051,719, G>A. VCF-style: chr9-1051719-G-A. GRCh37 (hg19) VCF-style: chr9-1051719-G-A.
Other names: c.106G>A (NM_181872.4); c.106G>A, p.Gly36Arg (NM_001130865.3, NM_001370531.1, NM_001370533.1 and 4 more transcripts); c.-545G>A (NM_001370532.1); short protein forms G36R.
Identifiers: ClinVar variation 2962473 (VCV002962473.4), dbSNP rs1016405568, ClinGen allele CA187866940.

ClinVar aggregate classification (germline): Uncertain significance. Review status: criteria provided, multiple submitters, no conflicts (2 of 4 stars). 2 submissions from 2 submitters: Uncertain significance (2). Last evaluated 2024-10-08.

Allele frequency attached by ClinVar (database versions not stated): gnomAD 0.00001; TOPMed 0.00001.
gnomAD v4.1: 103 of 1,540,940 alleles (0.0067%); highest among the groups gnomAD compares: Non-Finnish European, 0.0087%; no homozygotes.

Submissions (2):

Ambry Genetics
Classification: Uncertain significance. Last evaluated: 2024-10-08. Review status: criteria provided, single submitter. Criteria: Ambry Variant Classification Scheme 2023. Collection method: clinical testing. Allele origin: germline.

Labcorp Genetics (formerly Invitae), Labcorp
Classification: Uncertain significance. Last evaluated: 2023-04-25. Review status: criteria provided, single submitter. Criteria: Invitae Variant Classification Sherloc (09022015). Collection method: clinical testing. Allele origin: germline.
Comment: In summary, the available evidence is currently insufficient to determine the role of this variant in disease. Therefore, it has been classified as a Variant of Uncertain Significance. An algorithm developed to predict the effect of missense changes on protein structure and function (PolyPhen-2) suggests that this variant is likely to be tolerated. This sequence change replaces glycine, which is neutral and non-polar, with arginine, which is basic and polar, at codon 36 of the DMRT2 protein (p.Gly36Arg). The frequency data for this variant in the population databases is considered unreliable, as metrics indicate poor data quality at this position in the gnomAD database. This variant has not been reported in the literature in individuals affected with DMRT2-related conditions.